The following is an entry in ClinVar:

NM_000195.5(HPS1):c.1675C>T (p.Leu559Phe)

Gene: HPS1 (HPS1 biogenesis of lysosomal organelles complex 3 subunit 1; minus strand). Cytogenetic location: 10q24.2.
Variant type: single nucleotide variant.
Coding change: c.1675C>T on transcript NM_000195.5 (MANE Select); coding-DNA position 1675, C replaced by T.
Protein change: p.Leu559Phe; replaces leucine 559 with phenylalanine.
Molecular consequence: missense variant.
Genome position (GRCh38, 1-based): chr10:98,422,437, G>A on the plus strand (C>T on the coding strand, the complement: HPS1 is on the minus strand). VCF-style: chr10-98422437-G-A. GRCh37 (hg19) VCF-style: chr10-100182194-G-A.
Other names: c.703C>T, p.Leu235Phe (NM_001311345.2, NM_001322487.2, NM_001322489.2); c.1675C>T, p.Leu559Phe (NM_001322476.2, NM_001322477.2); c.1576C>T, p.Leu526Phe (NM_001322478.2, NM_001322479.2); c.1414C>T, p.Leu472Phe (NM_001322480.2, NM_001322481.2); c.1315C>T, p.Leu439Phe (NM_001322482.2); c.1306C>T, p.Leu436Phe (NM_001322483.2, NM_001322484.2); c.1207C>T, p.Leu403Phe (NM_001322485.2); short protein forms L235F, L403F, L436F, L439F, L472F, L526F, L559F.
Identifiers: ClinVar variation 4797514 (VCV004797514.1).

ClinVar aggregate classification (germline): Uncertain significance (1 of 4 stars; one submission).

gnomAD v4.1: 1 of 1,614,128 alleles (0.000062%); highest among the groups gnomAD compares: East Asian, 0.0022%; no homozygotes.

Submission:

Labcorp Genetics (formerly Invitae), Labcorp
Classification: Uncertain significance. Last evaluated: 2025-09-21. Review status: criteria provided, single submitter. Criteria: Invitae Variant Classification Sherloc (09022015). Collection method: clinical testing. Allele origin: germline.
Comment: This sequence change replaces leucine, which is neutral and non-polar, with phenylalanine, which is neutral and non-polar, at codon 559 of the HPS1 protein (p.Leu559Phe). This variant is not present in population databases (gnomAD no frequency). This variant has not been reported in the literature in individuals affected with HPS1-related conditions. Invitae Evidence Modeling of protein sequence and biophysical properties (such as structural, functional, and spatial information, amino acid conservation, physicochemical variation, residue mobility, and thermodynamic stability) indicates that this missense variant is not expected to disrupt HPS1 protein function with a negative predictive value of 95%. In summary, the available evidence is currently insufficient to determine the role of this variant in disease. Therefore, it has been classified as a Variant of Uncertain Significance.